The following is an entry in ClinVar:

NM_001042492.3(NF1):c.6427G>A (p.Glu2143Lys)

Gene: NF1 (neurofibromin 1; plus strand). Cytogenetic location: 17q11.2.
Variant type: single nucleotide variant.
Coding change: c.6427G>A on transcript NM_001042492.3 (MANE Select); coding-DNA position 6427, G replaced by A.
Protein change: p.Glu2143Lys; replaces glutamic acid 2143 with lysine.
Molecular consequence: missense variant.
Genome position (GRCh38, 1-based): chr17:31,336,914, G>A. VCF-style: chr17-31336914-G-A. GRCh37 (hg19) VCF-style: chr17-29663932-G-A.
Other names: c.6364G>A, p.Glu2122Lys (NM_000267.4); short protein forms E2122K, E2143K.
Identifiers: ClinVar variation 457793 (VCV000457793.5), dbSNP rs1555534775, ClinGen allele CA399012971.
Genomic context (GRCh38, chr17:31,336,914, plus strand): 5'-CATGGACTGGTCATTAATATCATTCACTCTCTGTGTACTTGTTCACAGCTTCATTTTAGT[G>A]GTAAGTTCTAGGAAAGGAATTTGTGTTTACCAGTTCCTTTCTCCATTTTACTTCACCTGA-3'
Protein context (NP_001035957.1, residues 2133-2153): LCTCSQLHFS[Glu2143Lys]ETKQVLRLSL

ClinVar aggregate classification (germline): Pathogenic (1 of 4 stars; one submission).

Conditions:
Neurofibromatosis, type 1 (NF1). Also called: VON RECKLINGHAUSEN DISEASE; NEUROFIBROMATOSIS, TYPE I, SOMATIC; Peripheral type neurofibromatosis; Neurofibromatosis, type I. Identifiers: Orphanet 636, MedGen C0027831, MONDO:0018975, OMIM 162200. Disease mechanism: loss of function.

Submission:

Labcorp Genetics (formerly Invitae), Labcorp
Classification: Pathogenic for Neurofibromatosis, type 1. Last evaluated: 2025-12-13. Review status: criteria provided, single submitter. Criteria: Invitae Variant Classification Sherloc (09022015). Collection method: clinical testing. Allele origin: germline.
Comment: This sequence change replaces glutamic acid, which is acidic and polar, with lysine, which is basic and polar, at codon 2122 of the NF1 protein (p.Glu2122Lys). RNA analysis indicates that this missense change induces altered splicing and may result in an absent or altered protein product. This variant is not present in population databases (gnomAD no frequency). This missense change has been observed in individual(s) with neurofibromatosis type 1 (PMID: 28891274; internal data). In at least one individual the variant was observed to be de novo. It has also been observed to segregate with disease in related individuals. Invitae Evidence Modeling of clinical and family history, age, sex, and reported ancestry of multiple individuals with this NF1 variant has been performed. This variant is expected to be pathogenic with a positive predictive value of at least 99%. This is a validated machine learning model that incorporates the clinical features of 1,785,918 individuals referred to our laboratory for NF1 testing. ClinVar contains an entry for this variant (Variation ID: 457793). An algorithm developed to predict the effect of missense changes on protein structure and function (PolyPhen-2) suggests that this variant is likely to be disruptive. Variants that disrupt the consensus splice site are a relatively common cause of aberrant splicing (PMID: 17576681, 9536098). Studies have shown that this missense change results in skipping of exon 42, and produces a non-functional protein and/or introduces a premature termination codon (PMID: 28891274). For these reasons, this variant has been classified as Pathogenic.

Literature cited by the submitters: PubMed 28891274; PubMed 17576681; PubMed 9536098.